The following is an entry in ClinVar:

ClinVar aggregate classification (germline): Likely benign (0 of 4 stars; one submission).

Conditions:
RELA-related disorder. Also called: RELA-related condition.

Allele frequency attached by ClinVar (database versions not stated): gnomAD exomes below 0.00001.
gnomAD v4.1: 1 of 1,603,380 alleles (0.000062%); highest among the groups gnomAD compares: Non-Finnish European, 0.000085%; no homozygotes.

Submission:

PreventionGenetics, part of Exact Sciences
Classification: Likely benign for RELA-related condition. Last evaluated: 2021-03-11. Review status: no assertion criteria provided. Collection method: clinical testing. Allele origin: germline.
Comment: This variant is classified as likely benign based on ACMG/AMP sequence variant interpretation guidelines (Richards et al. 2015 PMID: 25741868, with internal and published modifications).

NM_021975.4(RELA):c.1524G>C (p.Gln508His)

Gene: RELA (RELA proto-oncogene, NF-kB subunit; minus strand). Cytogenetic location: 11q13.1.
Variant type: single nucleotide variant.
Coding change: c.1524G>C on transcript NM_021975.4 (MANE Select); coding-DNA position 1524, G replaced by C.
Protein change: p.Gln508His; replaces glutamine 508 with histidine.
Molecular consequence: missense variant. On other transcripts: splice acceptor variant (1).
Genome position (GRCh38, 1-based): chr11:65,654,510, C>G on the plus strand (G>C on the coding strand, the complement: RELA is on the minus strand). VCF-style: chr11-65654510-C-G. GRCh37 (hg19) VCF-style: chr11-65421981-C-G.
Other names: c.1515G>C, p.Gln505His (NM_001145138.2); c.1317G>C, p.Gln439His (NM_001243984.2); c.1557G>C, p.Gln519His (NM_001404657.1); c.1497G>C, p.Gln499His (NM_001404658.1); c.1311G>C, p.Gln437His (NM_001404659.1); c.1206G>C, p.Gln402His (NM_001404660.1); c.1143G>C, p.Gln381His (NM_001404661.1); c.1431G>C, p.Gln477His (NM_001404662.1, NM_001404663.1); and 1 more; short protein forms Q381H, Q402H, Q437H, Q439H, Q477H, Q499H, Q505H, Q508H.
Identifiers: ClinVar variation 3030909 (VCV003030909.2), dbSNP rs2496823837, ClinGen allele CA381386592.